The following is an entry in ClinVar:

ClinVar aggregate classification (germline): Uncertain significance (0 of 4 stars; one submission).

Conditions:
SERPING1-related disorder. Also called: SERPING1-related condition.

Allele frequency attached by ClinVar (database versions not stated): gnomAD exomes below 0.00001; gnomAD 0.00001.
gnomAD v4.1: 2 of 1,614,008 alleles (0.00012%); highest among the groups gnomAD compares: Admixed American, 0.0017%; no homozygotes.

Submission:

PreventionGenetics, part of Exact Sciences
Classification: Uncertain significance for SERPING1-related condition. Last evaluated: 2024-02-08. Review status: no assertion criteria provided. Collection method: clinical testing. Allele origin: germline.
Comment: The SERPING1 c.1337T>A variant is predicted to result in the amino acid substitution p.Val446Glu. To our knowledge, this variant has not been reported in the literature or in a large population database, indicating this variant is rare. At this time, the clinical significance of this variant is uncertain due to the absence of conclusive functional and genetic evidence.

NM_000062.3(SERPING1):c.1337T>A (p.Val446Glu)

Gene: SERPING1 (serpin family G member 1; plus strand). Cytogenetic location: 11q12.1.
Variant type: single nucleotide variant.
Coding change: c.1337T>A on transcript NM_000062.3 (MANE Select); coding-DNA position 1337, T replaced by A.
Protein change: p.Val446Glu; replaces valine 446 with glutamic acid.
Molecular consequence: missense variant.
Genome position (GRCh38, 1-based): chr11:57,614,415, T>A. VCF-style: chr11-57614415-T-A. GRCh37 (hg19) VCF-style: chr11-57381888-T-A.
Other names: c.1337T>A, p.Val446Glu (NM_001032295.2); short protein forms V446E.
Identifiers: ClinVar variation 3054878 (VCV003054878.2), dbSNP rs1945513949, ClinGen allele CA380690579.
Genomic context (GRCh38, chr11:57,614,415, plus strand): 5'-ACCTGTGTGGGCTGACAGAGGACCCAGATCTTCAGGTTTCTGCGATGCAGCACCAGACAG[T>A]GCTGGAACTGACAGAGACTGGGGTGGAGGCGGCTGCAGCCTCCGCCATCTCTGTGGCCCG-3'
Protein context (NP_000053.2, residues 436-456): LQVSAMQHQT[Val446Glu]LELTETGVEA